The following is an entry in ClinVar:

ClinVar aggregate classification (germline): Uncertain significance (1 of 4 stars; one submission).

Conditions:
Catecholaminergic polymorphic ventricular tachycardia (CVPT). Also called: Catecholamine-induced polymorphic ventricular tachycardia. Identifiers: Orphanet 3286, MedGen C5574922, MONDO:0017990.

Submission:

All of Us Research Program, National Institutes of Health
Classification: Uncertain significance for Catecholaminergic polymorphic ventricular tachycardia. Last evaluated: 2023-10-23. Review status: criteria provided, single submitter. Criteria: ACMG Guidelines, 2015. Collection method: clinical testing. Allele origin: germline. Inheritance: Autosomal dominant inheritance. Observed: 1 variant allele, 1 heterozygote.
Comment: This missense variant replaces threonine with lysine at codon 2510 of the RYR2 protein. Computational prediction suggests that this variant may have deleterious impact on protein structure and function (internally defined REVEL score threshold >= 0.7, PMID: 27666373). To our knowledge, functional studies have not been reported for this variant. This variant has not been reported in individuals affected with RYR2-related disorders in the literature. This variant has not been identified in the general population by the Genome Aggregation Database (gnomAD). The available evidence is insufficient to determine the role of this variant in disease conclusively. Therefore, this variant is classified as a Variant of Uncertain Significance.

This study involves interpretation of variants in research participants for the purpose of population health screening. Participant phenotype was not available at the time of variant classification. Additional details can be found in publication PMID: 35346344, PMCID: PMC8962531

NM_001035.3(RYR2):c.7529C>A (p.Thr2510Lys)

Gene: RYR2 (ryanodine receptor 2; plus strand). Cytogenetic location: 1q43.
Variant type: single nucleotide variant.
Coding change: c.7529C>A on transcript NM_001035.3 (MANE Select); coding-DNA position 7529, C replaced by A.
Protein change: p.Thr2510Lys; replaces threonine 2510 with lysine.
Molecular consequence: missense variant.
Genome position (GRCh38, 1-based): chr1:237,649,893, C>A. VCF-style: chr1-237649893-C-A. GRCh37 (hg19) VCF-style: chr1-237813193-C-A.
Other names: short protein forms T2510K.
Identifiers: ClinVar variation 3074122 (VCV003074122.1), dbSNP rs748865411, ClinGen allele CA345399017.